The following is an entry in ClinVar:

NM_007294.4(BRCA1):c.4527C>T (p.Tyr1509=)

Gene: BRCA1 (BRCA1 DNA repair associated; minus strand). Cytogenetic location: 17q21.31.
Variant type: single nucleotide variant.
Coding change: c.4527C>T on transcript NM_007294.4 (MANE Select); coding-DNA position 4527, C replaced by T.
Protein change: p.Tyr1509=; no amino-acid change (tyrosine 1509 retained).
Molecular consequence: synonymous variant. On other transcripts: intron variant (3).
Genome position (GRCh38, 1-based): chr17:43,074,479, G>A on the plus strand (C>T on the coding strand, the complement: BRCA1 is on the minus strand). VCF-style: chr17-43074479-G-A. GRCh37 (hg19) VCF-style: chr17-41226496-G-A.
Other names: c.1008C>T, p.Tyr336= (NM_001408478.1, NM_001408479.1, NM_001408480.1); c.1005C>T, p.Tyr335= (NM_001408481.1, NM_001408482.1, NM_001408483.1 and 5 more transcripts); c.1002C>T, p.Tyr334= (NM_001408492.1, NM_001408493.1); c.978C>T, p.Tyr326= (NM_001408494.1); c.972C>T, p.Tyr324= (NM_001408495.1); c.954C>T, p.Tyr318= (NM_001408496.1, NM_001408497.1, NM_001408498.1 and 3 more transcripts); c.951C>T, p.Tyr317= (NM_001408502.1, NM_001408503.1, NM_001408504.1); c.948C>T, p.Tyr316= (NM_001408505.1); and 71 more.
Identifiers: ClinVar variation 633098 (VCV000633098.17), dbSNP rs886040233, ClinGen allele CA500146654.

ClinVar aggregate classification (germline): Benign/Likely benign. Review status: criteria provided, multiple submitters, no conflicts (2 of 4 stars). 6 submissions from 6 submitters: Benign (1); Likely benign (5). Last evaluated 2025-11-24.

Conditions:
Hereditary breast ovarian cancer syndrome. Also called: Hereditary breast and ovarian cancer; Hereditary breast and ovarian cancer syndrome (HBOC); Breast and ovarian cancer; Hereditary breast and ovarian cancer syndrome; BRCA1- and BRCA2-Associated Hereditary Breast and Ovarian Cancer; Hereditary breast and/or ovarian cancer syndrome. Identifiers: Orphanet 145, MedGen C0677776, MeSH D061325, MONDO:0003582. Disease mechanism: loss of function.
BRCA1-related cancer predisposition. Identifiers: MedGen CN377757, MONDO:0700268.
Hereditary cancer-predisposing syndrome. Also called: Tumor predisposition; Neoplastic Syndromes, Hereditary; Hereditary neoplastic syndrome; Hereditary Cancer Syndrome. Identifiers: Orphanet 140162, MedGen C0027672, MeSH D009386, MONDO:0015356.

Allele frequency attached by ClinVar (database versions not stated): gnomAD exomes below 0.00001.
gnomAD v4.1: 1 of 1,614,142 alleles (0.000062%); highest among the groups gnomAD compares: Admixed American, 0.0017%; no homozygotes.

Submissions (6):

Labcorp Genetics (formerly Invitae), Labcorp
Classification: Likely benign for Hereditary breast ovarian cancer syndrome. Last evaluated: 2025-11-24. Review status: criteria provided, single submitter. Criteria: Invitae Variant Classification Sherloc (09022015). Collection method: clinical testing. Allele origin: germline.

All of Us Research Program, National Institutes of Health
Classification: Likely benign for BRCA1-related cancer predisposition. Last evaluated: 2024-07-20. Review status: criteria provided, single submitter. Criteria: ACMG Guidelines, 2015. Collection method: clinical testing. Allele origin: germline. Inheritance: Autosomal dominant inheritance. Observed: 1 variant allele, 1 heterozygote.
Comment: This study involves interpretation of variants in research participants for the purpose of population health screening. Participant phenotype was not available at the time of variant classification. Additional details can be found in publication PMID: 35346344, PMCID: PMC8962531

Ambry Genetics
Classification: Likely benign for Hereditary cancer-predisposing syndrome. Last evaluated: 2024-02-29. Review status: criteria provided, single submitter. Criteria: Ambry Variant Classification Scheme 2023. Collection method: clinical testing. Allele origin: germline.

Quest Diagnostics Nichols Institute San Juan Capistrano
Classification: Benign. Last evaluated: 2023-01-31. Review status: criteria provided, single submitter. Criteria: Quest Diagnostics criteria. Collection method: clinical testing. Allele origin: unknown.

Color Diagnostics, LLC DBA Color Health
Classification: Likely benign for Hereditary cancer-predisposing syndrome. Last evaluated: 2022-01-04. Review status: criteria provided, single submitter. Criteria: ACMG Guidelines, 2015. Collection method: clinical testing. Allele origin: germline.

Women's Health and Genetics/Laboratory Corporation of America, LabCorp
Classification: Likely benign. Last evaluated: 2019-08-21. Review status: criteria provided, single submitter. Criteria: LabCorp Variant Classification Summary - May 2015. Collection method: clinical testing. Allele origin: germline.